The following is an entry in ClinVar:

ClinVar aggregate classification (germline): Uncertain significance (1 of 4 stars; one submission).

Submission:

Labcorp Genetics (formerly Invitae), Labcorp
Classification: Uncertain significance. Last evaluated: 2023-08-10. Review status: criteria provided, single submitter. Criteria: Invitae Variant Classification Sherloc (09022015). Collection method: clinical testing. Allele origin: germline.
Comment: An algorithm developed to predict the effect of missense changes on protein structure and function (PolyPhen-2) suggests that this variant is likely to be disruptive. In summary, the available evidence is currently insufficient to determine the role of this variant in disease. Therefore, it has been classified as a Variant of Uncertain Significance. This variant has not been reported in the literature in individuals affected with KCNC3-related conditions. This variant is not present in population databases (gnomAD no frequency). This sequence change replaces proline, which is neutral and non-polar, with arginine, which is basic and polar, at codon 120 of the KCNC3 protein (p.Pro120Arg).

NM_004977.3(KCNC3):c.359C>G (p.Pro120Arg)

Gene: KCNC3 (potassium voltage-gated channel subfamily C member 3; minus strand). Cytogenetic location: 19q13.33.
Variant type: single nucleotide variant.
Coding change: c.359C>G on transcript NM_004977.3 (MANE Select); coding-DNA position 359, C replaced by G.
Protein change: p.Pro120Arg; replaces proline 120 with arginine.
Molecular consequence: missense variant.
Genome position (GRCh38, 1-based): chr19:50,328,724, G>C on the plus strand (C>G on the coding strand, the complement: KCNC3 is on the minus strand). VCF-style: chr19-50328724-G-C. GRCh37 (hg19) VCF-style: chr19-50831981-G-C.
Other names: c.131C>G, p.Pro44Arg (NM_001372305.1); short protein forms P120R, P44R.
Identifiers: ClinVar variation 2831711 (VCV002831711.3), dbSNP rs2513804094, ClinGen allele CA406955935.